The following is an entry in ClinVar:

ClinVar aggregate classification (germline): Uncertain significance (1 of 4 stars; one submission).

Conditions:
Short-rib thoracic dysplasia 14 with polydactyly (SRTD14). Identifiers: Orphanet 397715, MedGen C4225286, MONDO:0014688, OMIM 616546.
Joubert syndrome 23 (JBTS23). Identifiers: Orphanet 475, MedGen C4084822, MONDO:0014664, OMIM 616490.

Allele frequency attached by ClinVar (database versions not stated): ExAC 0.00001; gnomAD 0.00001; TOPMed 0.00001.
gnomAD v4.1: 48 of 1,613,680 alleles (0.003%); highest among the groups gnomAD compares: Non-Finnish European, 0.0038%; no homozygotes.

Submission:

Labcorp Genetics (formerly Invitae), Labcorp
Classification: Uncertain significance for Joubert syndrome 23; Short-rib thoracic dysplasia 14 with polydactyly. Last evaluated: 2022-03-23. Review status: criteria provided, single submitter. Criteria: Invitae Variant Classification Sherloc (09022015). Collection method: clinical testing. Allele origin: germline.
Comment: This sequence change replaces proline, which is neutral and non-polar, with serine, which is neutral and polar, at codon 1245 of the KIAA0586 protein (p.Pro1245Ser). This variant is present in population databases (rs772493061, gnomAD 0.003%). This variant has not been reported in the literature in individuals affected with KIAA0586-related conditions. Algorithms developed to predict the effect of missense changes on protein structure and function output the following: SIFT: "Tolerated"; PolyPhen-2: "Possibly Damaging"; Align-GVGD: "Class C0". The serine amino acid residue is found in multiple mammalian species, which suggests that this missense change does not adversely affect protein function. In summary, the available evidence is currently insufficient to determine the role of this variant in disease. Therefore, it has been classified as a Variant of Uncertain Significance.

NM_001329943.3(KIAA0586):c.3574C>T (p.Pro1192Ser)

Gene: KIAA0586 (KIAA0586; plus strand). Cytogenetic location: 14q23.1.
Variant type: single nucleotide variant.
Coding change: c.3574C>T on transcript NM_001329943.3 (MANE Select); coding-DNA position 3574, C replaced by T.
Protein change: p.Pro1192Ser; replaces proline 1192 with serine.
Molecular consequence: missense variant.
Genome position (GRCh38, 1-based): chr14:58,488,667, C>T. VCF-style: chr14-58488667-C-T. GRCh37 (hg19) VCF-style: chr14-58955385-C-T.
Other names: c.3733C>T, p.Pro1245Ser (NM_001244189.2); c.3529C>T, p.Pro1177Ser (NM_001244190.2); c.3319C>T, p.Pro1107Ser (NM_001244191.2, NM_001329945.2, NM_001364700.1 and 1 more transcripts); c.3442C>T, p.Pro1148Ser (NM_001244192.2); c.3154C>T, p.Pro1052Ser (NM_001244193.2); c.3574C>T, p.Pro1192Ser (NM_001329944.2, NM_001329946.2, NM_001329947.2); c.3346C>T, p.Pro1116Ser (NM_014749.5); short protein forms P1107S, P1177S, P1116S, P1148S, P1052S, P1192S, P1245S.
Identifiers: ClinVar variation 2185640 (VCV002185640.1), dbSNP rs772493061, ClinGen allele CA7206206.